The following is an entry in ClinVar:

NM_020759.3(STARD9):c.8609C>T (p.Thr2870Ile)

Gene: STARD9 (StAR related lipid transfer domain containing 9; plus strand). Cytogenetic location: 15q15.2.
Variant type: single nucleotide variant.
Coding change: c.8609C>T on transcript NM_020759.3 (MANE Select); coding-DNA position 8609, C replaced by T.
Protein change: p.Thr2870Ile; replaces threonine 2870 with isoleucine.
Molecular consequence: missense variant.
Genome position (GRCh38, 1-based): chr15:42,690,187, C>T. VCF-style: chr15-42690187-C-T. GRCh37 (hg19) VCF-style: chr15-42982385-C-T.
Other names: short protein forms T2870I.
Identifiers: ClinVar variation 2645245 (VCV002645245.24), dbSNP rs1019638341, ClinGen allele CA269901769.
Genomic context (GRCh38, chr15:42,690,187, plus strand): 5'-GTCCCAAACAAGATACCATTCTGCCTGGAGCTCTGACAAGGGTTGCACTGGAAGCTCCCA[C>T]ACAGCAGTGTGTGCAGTGTAAGGAGAGTGTTGGGTCTGGGTTGACAGAAGTCTGCAGGGC-3'
Protein context (NP_065810.2, residues 2860-2880): ALTRVALEAP[Thr2870Ile]QQCVQCKESV

ClinVar aggregate classification (germline): Likely benign (1 of 4 stars; one submission).

Allele frequency attached by ClinVar (database versions not stated): gnomAD exomes below 0.00001; gnomAD 0.00001; TOPMed 0.00002.
gnomAD v4.1: 4 of 1,537,688 alleles (0.00026%); highest among the groups gnomAD compares: African/African-American, 0.0055%; no homozygotes.

Submission:

CeGaT Center for Human Genetics Tuebingen
Classification: Likely benign. Last evaluated: 2022-04-01. Review status: criteria provided, single submitter. Criteria: CeGaT Center For Human Genetics Tuebingen Variant Classification Criteria Version 2. Collection method: clinical testing. Allele origin: germline. Affected: yes. Observed: 1 variant allele.
Comment: STARD9: BP4